The following is an entry in ClinVar:

ClinVar aggregate classification (germline): Uncertain significance (1 of 4 stars; one submission).

Submission:

Labcorp Genetics (formerly Invitae), Labcorp
Classification: Uncertain significance. Last evaluated: 2022-01-18. Review status: criteria provided, single submitter. Criteria: Invitae Variant Classification Sherloc (09022015). Collection method: clinical testing. Allele origin: germline.
Comment: This sequence change replaces arginine, which is basic and polar, with serine, which is neutral and polar, at codon 117 of the UNC45A protein (p.Arg117Ser). This variant is not present in population databases (gnomAD no frequency). This variant has not been reported in the literature in individuals affected with UNC45A-related conditions. Algorithms developed to predict the effect of missense changes on protein structure and function are either unavailable or do not agree on the potential impact of this missense change (SIFT: "Not Available"; PolyPhen-2: "Possibly Damaging"; Align-GVGD: "Not Available"). In summary, the available evidence is currently insufficient to determine the role of this variant in disease. Therefore, it has been classified as a Variant of Uncertain Significance.

NM_018671.5(UNC45A):c.351A>T (p.Arg117Ser)

Gene: UNC45A (unc-45 myosin chaperone A; plus strand). Cytogenetic location: 15q26.1.
Variant type: single nucleotide variant.
Coding change: c.351A>T on transcript NM_018671.5 (MANE Select); coding-DNA position 351, A replaced by T.
Protein change: p.Arg117Ser; replaces arginine 117 with serine.
Molecular consequence: missense variant. On other transcripts: 5 prime UTR variant (1).
Genome position (GRCh38, 1-based): chr15:90,936,385, A>T. VCF-style: chr15-90936385-A-T. GRCh37 (hg19) VCF-style: chr15-91479615-A-T.
Other names: c.306A>T, p.Arg102Ser (NM_001039675.2, NM_001323621.2); c.351A>T, p.Arg117Ser (NM_001323619.1); c.-85A>T (NM_001323620.2); short protein forms R102S, R117S.
Identifiers: ClinVar variation 2087595 (VCV002087595.3), dbSNP rs2543120026, ClinGen allele CA393890963.